The following is an entry in ClinVar:

NM_000166.6(GJB1):c.242T>A (p.Leu81His)

Gene: GJB1 (gap junction protein beta 1; plus strand). Cytogenetic location: Xq13.1.
Variant type: single nucleotide variant.
Coding change: c.242T>A on transcript NM_000166.6 (MANE Select); coding-DNA position 242, T replaced by A.
Protein change: p.Leu81His; replaces leucine 81 with histidine.
Molecular consequence: missense variant.
Genome position (GRCh38, 1-based): chrX:71,223,949, T>A. VCF-style: chrX-71223949-T-A. GRCh37 (hg19) VCF-style: chrX-70443799-T-A.
Other names: c.242T>A, p.Leu81His (NM_001097642.3); short protein forms L81H.
Identifiers: ClinVar variation 477592 (VCV000477592.8), dbSNP rs1555937111, ClinGen allele CA413501632.

ClinVar aggregate classification (germline): Uncertain significance (1 of 4 stars; one submission).

Conditions:
Charcot-Marie-Tooth Neuropathy X. Identifiers: MedGen CN118851.

Submission:

Labcorp Genetics (formerly Invitae), Labcorp
Classification: Uncertain significance for Charcot-Marie-Tooth Neuropathy X. Last evaluated: 2017-06-27. Review status: criteria provided, single submitter. Criteria: Invitae Variant Classification Sherloc (09022015). Collection method: clinical testing. Allele origin: germline.
Comment: This sequence change replaces leucine with histidine at codon 81 of the GJB1 protein (p.Leu81His). The leucine residue is highly conserved and there is a moderate physicochemical difference between leucine and histidine. This variant is not present in population databases (ExAC no frequency). This variant has not been reported in the literature in individuals with GJB1-related disease. Algorithms developed to predict the effect of missense changes on protein structure and function (SIFT, PolyPhen-2, Align-GVGD) all suggest that this variant is likely to be disruptive, but these predictions have not been confirmed by published functional studies and their clinical significance is uncertain. In summary, the available evidence is currently insufficient to determine the role of this variant in disease. Therefore, it has been classified as a Variant of Uncertain Significance.